The following is an entry in ClinVar:

ClinVar aggregate classification (germline): Uncertain significance (1 of 4 stars; one submission).

Conditions:
Meckel-Gruber syndrome. Also called: DYSENCEPHALIA SPLANCHNOCYSTICA; GRUBER SYNDROME; Dysencephalia splachnocystica. Identifiers: Orphanet 564, MedGen C0265215, MONDO:0018921.
Joubert syndrome. Also called: CEREBELLOPARENCHYMAL DISORDER IV; JOUBERT-BOLTSHAUSER SYNDROME; Familial aplasia of the vermis. Identifiers: Orphanet 475, MedGen C5979921, MONDO:0018772.

Submission:

Labcorp Genetics (formerly Invitae), Labcorp
Classification: Uncertain significance for Joubert syndrome; Meckel-Gruber syndrome. Last evaluated: 2022-07-25. Review status: criteria provided, single submitter. Criteria: Invitae Variant Classification Sherloc (09022015). Collection method: clinical testing. Allele origin: germline.
Comment: This sequence change replaces tryptophan, which is neutral and slightly polar, with cysteine, which is neutral and slightly polar, at codon 225 of the TMEM67 protein (p.Trp225Cys). This variant is not present in population databases (gnomAD no frequency). In summary, the available evidence is currently insufficient to determine the role of this variant in disease. Therefore, it has been classified as a Variant of Uncertain Significance. Advanced modeling of protein sequence and biophysical properties (such as structural, functional, and spatial information, amino acid conservation, physicochemical variation, residue mobility, and thermodynamic stability) performed at Invitae indicates that this missense variant is expected to disrupt TMEM67 protein function. This variant has not been reported in the literature in individuals affected with TMEM67-related conditions.

NM_153704.6(TMEM67):c.675G>C (p.Trp225Cys)

Gene: TMEM67 (transmembrane protein 67; plus strand). Cytogenetic location: 8q22.1.
Variant type: single nucleotide variant.
Coding change: c.675G>C on transcript NM_153704.6 (MANE Select); coding-DNA position 675, G replaced by C.
Protein change: p.Trp225Cys; replaces tryptophan 225 with cysteine.
Molecular consequence: missense variant. On other transcripts: non-coding transcript variant (1).
Genome position (GRCh38, 1-based): chr8:93,772,612, G>C. VCF-style: chr8-93772612-G-C. GRCh37 (hg19) VCF-style: chr8-94784840-G-C.
Other names: c.432G>C, p.Trp144Cys (NM_001142301.1); short protein forms W144C, W225C.
Identifiers: ClinVar variation 1713771 (VCV001713771.6), dbSNP rs386834205, ClinGen allele CA371687299.